The following is an entry in ClinVar:

ClinVar aggregate classification (germline): Uncertain significance. Review status: criteria provided, multiple submitters, no conflicts (2 of 4 stars). 2 submissions from 2 submitters: Uncertain significance (2). Last evaluated 2024-10-31.

Conditions:
Autosomal recessive limb-girdle muscular dystrophy type 2W (MDRCMTT). Also called: Muscular dystrophy, limb-girdle, type 2W; Muscular dystrophy, autosomal recessive, with cardiomyopathy and triangular tongue. Identifiers: MedGen C4225192, MONDO:0014788, OMIM 616827.

Allele frequency attached by ClinVar (database versions not stated): ExAC below 0.00001; gnomAD exomes below 0.00001 and 0.00003; TOPMed 0.00002.
gnomAD v4.1: 47 of 1,608,996 alleles (0.0029%); highest among the groups gnomAD compares: Non-Finnish European, 0.0037%; no homozygotes.

Submissions (2):

Revvity Omics, Revvity
Classification: Uncertain significance for Autosomal recessive limb-girdle muscular dystrophy type 2W. Last evaluated: 2024-10-31. Review status: criteria provided, single submitter. Criteria: ACMG Guidelines, 2015. Collection method: clinical testing. Allele origin: germline.

Labcorp Genetics (formerly Invitae), Labcorp
Classification: Uncertain significance for Autosomal recessive limb-girdle muscular dystrophy type 2W. Last evaluated: 2024-06-24. Review status: criteria provided, single submitter. Criteria: Invitae Variant Classification Sherloc (09022015). Collection method: clinical testing. Allele origin: germline.
Comment: This sequence change replaces arginine, which is basic and polar, with glutamine, which is neutral and polar, at codon 225 of the LIMS2 protein (p.Arg225Gln). This variant is present in population databases (rs779326413, gnomAD 0.0009%). This variant has not been reported in the literature in individuals affected with LIMS2-related conditions. ClinVar contains an entry for this variant (Variation ID: 863893). Advanced modeling of protein sequence and biophysical properties (such as structural, functional, and spatial information, amino acid conservation, physicochemical variation, residue mobility, and thermodynamic stability) performed at Invitae indicates that this missense variant is not expected to disrupt LIMS2 protein function with a negative predictive value of 80%. In summary, the available evidence is currently insufficient to determine the role of this variant in disease. Therefore, it has been classified as a Variant of Uncertain Significance.

NM_001161403.3(LIMS2):c.608G>A (p.Arg203Gln)

Gene: LIMS2 (LIM zinc finger domain containing 2; minus strand). Cytogenetic location: 2q14.3.
Variant type: single nucleotide variant.
Coding change: c.608G>A on transcript NM_001161403.3 (MANE Select); coding-DNA position 608, G replaced by A.
Protein change: p.Arg203Gln; replaces arginine 203 with glutamine.
Molecular consequence: missense variant.
Genome position (GRCh38, 1-based): chr2:127,642,101, C>T on the plus strand (G>A on the coding strand, the complement: LIMS2 is on the minus strand). VCF-style: chr2-127642101-C-T. GRCh37 (hg19) VCF-style: chr2-128399676-C-T.
Other names: c.674G>A (NM_001136037.3); c.674G>A, p.Arg225Gln (NM_001136037.4); c.593G>A, p.Arg198Gln (NM_001161404.2); c.152G>A, p.Arg51Gln (NM_001256542.2); c.680G>A, p.Arg227Gln (NM_017980.5); short protein forms R225Q, R203Q, R227Q, R51Q, R198Q.
Identifiers: ClinVar variation 863893 (VCV000863893.11), dbSNP rs779326413, ClinGen allele CA1862989.